The following is an entry in ClinVar:

ClinVar aggregate classification (germline): Uncertain significance (1 of 4 stars; one submission).

Conditions:
RYR1-related disorder. Also called: RYR1-related condition; RYR1-related disorders. Identifiers: MedGen CN239331.

Allele frequency attached by ClinVar (database versions not stated): gnomAD exomes 0.00001; gnomAD 0.00002 and 0.00003; ExAC 0.00003; 1000 Genomes Project 30x 0.00016; 1000 Genomes Project 0.00020.
gnomAD v4.1: 16 of 1,614,116 alleles (0.00099%); highest among the groups gnomAD compares: African/African-American, 0.0053%; no homozygotes.

Submission:

Labcorp Genetics (formerly Invitae), Labcorp
Classification: Uncertain significance for RYR1-related disorder. Last evaluated: 2025-11-04. Review status: criteria provided, single submitter. Criteria: Invitae Variant Classification Sherloc (09022015). Collection method: clinical testing. Allele origin: germline.
Comment: This sequence change replaces arginine, which is basic and polar, with histidine, which is basic and polar, at codon 1994 of the RYR1 protein (p.Arg1994His). This variant is present in population databases (rs568165729, gnomAD 0.007%). This variant has not been reported in the literature in individuals affected with RYR1-related conditions. ClinVar contains an entry for this variant (Variation ID: 1439149). Invitae Evidence Modeling of protein sequence and biophysical properties (such as structural, functional, and spatial information, amino acid conservation, physicochemical variation, residue mobility, and thermodynamic stability) has been performed for this missense variant. However, the output from this modeling did not meet the statistical confidence thresholds required to predict the impact of this variant on RYR1 protein function. In summary, the available evidence is currently insufficient to determine the role of this variant in disease. Therefore, it has been classified as a Variant of Uncertain Significance.

NM_000540.3(RYR1):c.5981G>A (p.Arg1994His)

Gene: RYR1 (ryanodine receptor 1; plus strand). Cytogenetic location: 19q13.2.
Variant type: single nucleotide variant.
Coding change: c.5981G>A on transcript NM_000540.3 (MANE Select); coding-DNA position 5981, G replaced by A.
Protein change: p.Arg1994His; replaces arginine 1994 with histidine.
Molecular consequence: missense variant.
Genome position (GRCh38, 1-based): chr19:38,490,242, G>A. VCF-style: chr19-38490242-G-A. GRCh37 (hg19) VCF-style: chr19-38980882-G-A.
Other names: c.5981G>A, p.Arg1994His (NM_001042723.2); short protein forms R1994H.
Identifiers: ClinVar variation 1439149 (VCV001439149.5), dbSNP rs568165729, ClinGen allele CA067601.